The following is an entry in ClinVar:

ClinVar aggregate classification (germline): Uncertain significance (1 of 4 stars; one submission).

Conditions:
Familial focal epilepsy with variable foci (FPEVF). Identifiers: Orphanet 98820, MedGen C1858477, MONDO:0020310.

Allele frequency attached by ClinVar (database versions not stated): gnomAD exomes below 0.00001; ExAC 0.00001; gnomAD 0.00001; TOPMed 0.00001.

Submission:

Labcorp Genetics (formerly Invitae), Labcorp
Classification: Uncertain significance for Familial focal epilepsy with variable foci. Last evaluated: 2022-09-02. Review status: criteria provided, single submitter. Criteria: Invitae Variant Classification Sherloc (09022015). Collection method: clinical testing. Allele origin: germline.
Comment: In summary, the available evidence is currently insufficient to determine the role of this variant in disease. Therefore, it has been classified as a Variant of Uncertain Significance. Algorithms developed to predict the effect of missense changes on protein structure and function are either unavailable or do not agree on the potential impact of this missense change (SIFT: "Deleterious"; PolyPhen-2: "Not Available"; Align-GVGD: "Class C55"). This variant has not been reported in the literature in individuals affected with DEPDC5-related conditions. This variant is present in population databases (rs746114133, gnomAD 0.0009%). This sequence change replaces glycine, which is neutral and non-polar, with serine, which is neutral and polar, at codon 1254 of the DEPDC5 protein (p.Gly1254Ser).

NM_001242896.3(DEPDC5):c.3760G>A (p.Gly1254Ser)

Gene: DEPDC5 (DEP domain containing 5, GATOR1 subcomplex subunit; plus strand). Cytogenetic location: 22q12.3.
Variant type: single nucleotide variant.
Coding change: c.3760G>A on transcript NM_001242896.3 (MANE Select); coding-DNA position 3760, G replaced by A.
Protein change: p.Gly1254Ser; replaces glycine 1254 with serine.
Molecular consequence: missense variant. On other transcripts: non-coding transcript variant (2).
Genome position (GRCh38, 1-based): chr22:31,876,220, G>A. VCF-style: chr22-31876220-G-A. GRCh37 (hg19) VCF-style: chr22-32272206-G-A.
Other names: c.3733G>A, p.Gly1245Ser (NM_001136029.4); c.3460G>A, p.Gly1154Ser (NM_001242897.2); c.3694G>A, p.Gly1232Ser (NM_001363852.2, NM_001364320.2); c.3526G>A, p.Gly1176Ser (NM_001363854.2, NM_001364319.2); c.3760G>A, p.Gly1254Ser (NM_001364318.2); c.3676G>A, p.Gly1226Ser (NM_001369901.1, NM_001369902.1); c.3667G>A, p.Gly1223Ser (NM_001369903.1, NM_014662.6); short protein forms G1154S, G1232S, G1176S, G1245S, G1223S, G1226S, G1254S.
Identifiers: ClinVar variation 2167764 (VCV002167764.4), dbSNP rs746114133, ClinGen allele CA10197086.